The following is an entry in ClinVar:

ClinVar aggregate classification (germline): Conflicting classifications of pathogenicity. Review status: criteria provided, conflicting classifications (1 of 4 stars). 2 submissions from 2 submitters: Uncertain significance (1); Likely benign (1). Last evaluated 2022-10-02.

Conditions:
Primary ciliary dyskinesia. Also called: Ciliary dyskinesia. Identifiers: Orphanet 244, MedGen C0008780, MONDO:0016575, HP:0012265.

Allele frequency attached by ClinVar (database versions not stated): gnomAD 0.00002; TOPMed 0.00010; ExAC 0.00011; gnomAD exomes 0.00015.
gnomAD v4.1: 41 of 1,613,118 alleles (0.0025%); highest among the groups gnomAD compares: Admixed American, 0.068%; no homozygotes.

Submissions (2):

Labcorp Genetics (formerly Invitae), Labcorp
Classification: Uncertain significance for Primary ciliary dyskinesia. Last evaluated: 2022-10-02. Review status: criteria provided, single submitter. Criteria: Invitae Variant Classification Sherloc (09022015). Collection method: clinical testing. Allele origin: germline.
Comment: This sequence change replaces glutamic acid, which is acidic and polar, with glycine, which is neutral and non-polar, at codon 712 of the RSPH4A protein (p.Glu712Gly). This variant is present in population databases (rs765412618, gnomAD 0.1%). This variant has not been reported in the literature in individuals affected with RSPH4A-related conditions. ClinVar contains an entry for this variant (Variation ID: 1357122). Advanced modeling of protein sequence and biophysical properties (such as structural, functional, and spatial information, amino acid conservation, physicochemical variation, residue mobility, and thermodynamic stability) performed at Invitae indicates that this missense variant is not expected to disrupt RSPH4A protein function. In summary, the available evidence is currently insufficient to determine the role of this variant in disease. Therefore, it has been classified as a Variant of Uncertain Significance.

Ambry Genetics
Classification: Likely benign for Primary ciliary dyskinesia. Last evaluated: 2022-03-25. Review status: criteria provided, single submitter. Criteria: Ambry Variant Classification Scheme 2023. Collection method: clinical testing. Allele origin: germline.

NM_001010892.3(RSPH4A):c.2135A>G (p.Glu712Gly)

Gene: RSPH4A (radial spoke head component 4A; plus strand). Cytogenetic location: 6q22.1.
Variant type: single nucleotide variant.
Coding change: c.2135A>G on transcript NM_001010892.3 (MANE Select); coding-DNA position 2135, A replaced by G.
Protein change: p.Glu712Gly; replaces glutamic acid 712 with glycine.
Molecular consequence: missense variant. On other transcripts: 3 prime UTR variant (1).
Genome position (GRCh38, 1-based): chr6:116,632,425, A>G. VCF-style: chr6-116632425-A-G. GRCh37 (hg19) VCF-style: chr6-116953588-A-G.
Other names: c.*196A>G (NM_001161664.2); short protein forms E712G.
Identifiers: ClinVar variation 1357122 (VCV001357122.5), dbSNP rs765412618, ClinGen allele CA3971123.